The following is an entry in ClinVar:

ClinVar aggregate classification (germline): Likely benign. Review status: criteria provided, multiple submitters, no conflicts (2 of 4 stars). 3 submissions from 3 submitters: Likely benign (3). Last evaluated 2025-03-10.

Conditions:
Ataxia-telangiectasia-like disorder (ATLD). Identifiers: MedGen C1858391, MONDO:0011457.

Allele frequency attached by ClinVar (database versions not stated): gnomAD exomes below 0.00001; ExAC 0.00001.
gnomAD v4.1: 1 of 1,613,956 alleles (0.000062%); highest among the groups gnomAD compares: South Asian, 0.0011%; no homozygotes.

Submissions (3):

Labcorp Genetics (formerly Invitae), Labcorp
Classification: Likely benign for Ataxia-telangiectasia-like disorder. Last evaluated: 2025-03-10. Review status: criteria provided, single submitter. Criteria: Invitae Variant Classification Sherloc (09022015). Collection method: clinical testing. Allele origin: germline.

CeGaT Center for Human Genetics Tuebingen
Classification: Likely benign. Last evaluated: 2024-01-01. Review status: criteria provided, single submitter. Criteria: CeGaT Center For Human Genetics Tuebingen Variant Classification Criteria Version 2. Collection method: clinical testing. Allele origin: germline. Affected: yes. Observed: 1 variant allele.
Comment: MRE11: BP4, BP7

Women's Health and Genetics/Laboratory Corporation of America, LabCorp
Classification: Likely benign. Last evaluated: 2021-01-08. Review status: criteria provided, single submitter. Criteria: LabCorp Variant Classification Summary - May 2015. Collection method: clinical testing. Allele origin: germline.

NM_005591.4(MRE11):c.235T>C (p.Leu79=)

Gene: MRE11 (MRE11 double strand break repair nuclease; minus strand). Cytogenetic location: 11q21.
Variant type: single nucleotide variant.
Coding change: c.235T>C on transcript NM_005591.4 (MANE Select); coding-DNA position 235, T replaced by C.
Protein change: p.Leu79=; no amino-acid change (leucine 79 retained).
Molecular consequence: synonymous variant.
Genome position (GRCh38, 1-based): chr11:94,486,003, A>G on the plus strand (T>C on the coding strand, the complement: MRE11 is on the minus strand). VCF-style: chr11-94486003-A-G. GRCh37 (hg19) VCF-style: chr11-94219169-A-G.
Other names: c.235T>C, p.Leu79= (NM_001330347.2, NM_005590.4).
Identifiers: ClinVar variation 996221 (VCV000996221.30), dbSNP rs745332888, ClinGen allele CA6235436.
Genomic context (GRCh38, chr11:94,486,003, plus strand): 5'-CTGACTGATCACTGAGAATTTCAAACTGGACAGGCCGATCACCCATACAATATTTTCTTA[A>G]TAACTCGAGGCAGGTATGTAATGTTTTCCTTGAGGGCTTATTTTCATGAAAAAGATCACC-3'
Protein context (NP_005582.1, residues 69-89): RKTLHTCLEL[Leu79=]RKYCMGDRPV